The following is an entry in ClinVar:

NM_018723.4(RBFOX1):c.949C>T (p.Arg317Cys)

Gene: RBFOX1 (RNA binding fox-1 homolog 1; plus strand). Cytogenetic location: 16p13.3.
Variant type: single nucleotide variant.
Coding change: c.949C>T on transcript NM_018723.4 (MANE Select); coding-DNA position 949, C replaced by T.
Protein change: p.Arg317Cys; replaces arginine 317 with cysteine.
Molecular consequence: missense variant.
Genome position (GRCh38, 1-based): chr16:7,676,792, C>T. VCF-style: chr16-7676792-C-T. GRCh37 (hg19) VCF-style: chr16-7726794-C-T.
Other names: c.868C>T, p.Arg290Cys (NM_001142333.2); c.949C>T, p.Arg317Cys (NM_001142334.2, NM_001364800.2); c.1078C>T, p.Arg360Cys (NM_001308117.1); c.1012C>T, p.Arg338Cys (NM_145891.3, NM_145892.3, NM_145893.3); c.1012C>T (NM_145891.2); short protein forms R317C, R360C, R290C, R338C.
Identifiers: ClinVar variation 1522369 (VCV001522369.9), dbSNP rs2146426013, ClinGen allele CA394684006.

ClinVar aggregate classification (germline): Uncertain significance. Review status: criteria provided, multiple submitters, no conflicts (2 of 4 stars). 2 submissions from 2 submitters: Uncertain significance (2). Last evaluated 2025-08-21.

Conditions:
Idiopathic generalized epilepsy. Also called: EIG; Generalised epilepsy. Identifiers: MedGen C0270850, MONDO:0005579, OMIM 600669.
Inborn genetic diseases. Identifiers: MedGen C0950123, MeSH D030342.

gnomAD v4.1: 13 of 1,613,210 alleles (0.00081%); highest among the groups gnomAD compares: Non-Finnish European, 0.0011%; no homozygotes.

Submissions (2):

Labcorp Genetics (formerly Invitae), Labcorp
Classification: Uncertain significance for Idiopathic generalized epilepsy. Last evaluated: 2025-08-21. Review status: criteria provided, single submitter. Criteria: Invitae Variant Classification Sherloc (09022015). Collection method: clinical testing. Allele origin: germline.
Comment: This sequence change replaces arginine, which is basic and polar, with cysteine, which is neutral and slightly polar, at codon 338 of the RBFOX1 protein (p.Arg338Cys). This variant is not present in population databases (gnomAD no frequency). This variant has not been reported in the literature in individuals affected with RBFOX1-related conditions. ClinVar contains an entry for this variant (Variation ID: 1522369). Invitae Evidence Modeling of protein sequence and biophysical properties (such as structural, functional, and spatial information, amino acid conservation, physicochemical variation, residue mobility, and thermodynamic stability) has been performed for this missense variant. However, the output from this modeling did not meet the statistical confidence thresholds required to predict the impact of this variant on RBFOX1 protein function. In summary, the available evidence is currently insufficient to determine the role of this variant in disease. Therefore, it has been classified as a Variant of Uncertain Significance.

Ambry Genetics
Classification: Uncertain significance for Inborn genetic diseases. Last evaluated: 2025-07-31. Review status: criteria provided, single submitter. Criteria: Ambry Variant Classification Scheme 2023. Collection method: clinical testing. Allele origin: germline.